The following is an entry in ClinVar:

NM_001142800.2(EYS):c.5779T>C (p.Ser1927Pro)

Gene: EYS (eyes shut homolog; minus strand). Cytogenetic location: 6q12.
Variant type: single nucleotide variant.
Coding change: c.5779T>C on transcript NM_001142800.2 (MANE Select); coding-DNA position 5779, T replaced by C.
Protein change: p.Ser1927Pro; replaces serine 1927 with proline.
Molecular consequence: missense variant.
Genome position (GRCh38, 1-based): chr6:64,439,218, A>G on the plus strand (T>C on the coding strand, the complement: EYS is on the minus strand). VCF-style: chr6-64439218-A-G. GRCh37 (hg19) VCF-style: chr6-65149111-A-G.
Other names: c.5779T>C, p.Ser1927Pro (NM_001292009.2); short protein forms S1927P.
Identifiers: ClinVar variation 1022645 (VCV001022645.5), dbSNP rs921629471, ClinGen allele CA140322073.

ClinVar aggregate classification (germline): Uncertain significance. Review status: criteria provided, single submitter (1 of 4 stars). 2 submissions from 2 submitters: Uncertain significance (1). 1 of the submissions does not count toward it. Last evaluated 2022-07-23.

Conditions:
Retinitis pigmentosa 25 (RP25). Identifiers: Orphanet 791, MedGen C1864446, MONDO:0011272, OMIM 602772.

Allele frequency attached by ClinVar (database versions not stated): gnomAD exomes below 0.00001 and 0.00001; gnomAD 0.00001 and 0.00002; TOPMed 0.00001.
gnomAD v4.1: 6 of 1,482,664 alleles (0.0004%); highest among the groups gnomAD compares: Admixed American, 0.01%; no homozygotes.

Submissions (2):

Labcorp Genetics (formerly Invitae), Labcorp
Classification: Uncertain significance. Last evaluated: 2022-07-23. Review status: criteria provided, single submitter. Criteria: Invitae Variant Classification Sherloc (09022015). Collection method: clinical testing. Allele origin: germline.
Comment: This sequence change replaces serine, which is neutral and polar, with proline, which is neutral and non-polar, at codon 1927 of the EYS protein (p.Ser1927Pro). The frequency data for this variant in the population databases is considered unreliable, as metrics indicate poor data quality at this position in the gnomAD database. This variant has not been reported in the literature in individuals affected with EYS-related conditions. ClinVar contains an entry for this variant (Variation ID: 1022645). Algorithms developed to predict the effect of missense changes on protein structure and function output the following: SIFT: "Tolerated"; PolyPhen-2: "Benign"; Align-GVGD: "Class C0". The proline amino acid residue is found in multiple mammalian species, which suggests that this missense change does not adversely affect protein function. In summary, the available evidence is currently insufficient to determine the role of this variant in disease. Therefore, it has been classified as a Variant of Uncertain Significance.

Natera, Inc.
Classification: Uncertain significance for Retinitis pigmentosa type 25. Last evaluated: 2020-09-24. Review status: no assertion criteria provided. Collection method: clinical testing. Allele origin: germline. Not counted in ClinVar's aggregate classification.